The following is an entry in ClinVar:

ClinVar aggregate classification (germline): Uncertain significance. Review status: criteria provided, multiple submitters, no conflicts (2 of 4 stars). 3 submissions from 3 submitters: Uncertain significance (3). Last evaluated 2025-03-11.

Conditions:
Long QT syndrome (LQTS). Identifiers: MedGen C0023976, MeSH D008133, MONDO:0002442. Disease mechanism: loss of function. Inheritance: Various modes of inheritance.
Cardiovascular phenotype. Identifiers: MedGen CN230736.

Allele frequency attached by ClinVar (database versions not stated): gnomAD exomes below 0.00001; TOPMed below 0.00001; gnomAD 0.00001.
gnomAD v4.1: 2 of 1,613,766 alleles (0.00012%); highest among the groups gnomAD compares: African/African-American, 0.0013%; no homozygotes.

Submissions (3):

Labcorp Genetics (formerly Invitae), Labcorp
Classification: Uncertain significance for Long QT syndrome. Last evaluated: 2025-03-11. Review status: criteria provided, single submitter. Criteria: Invitae Variant Classification Sherloc (09022015). Collection method: clinical testing. Allele origin: germline.
Comment: This sequence change replaces threonine, which is neutral and polar, with methionine, which is neutral and non-polar, at codon 366 of the CACNA1C protein (p.Thr366Met). This variant is present in population databases (no rsID available, gnomAD 0.0009%). This missense change has been observed in individual(s) with clinical features of long QT syndrome (PMID: 31737537). ClinVar contains an entry for this variant (Variation ID: 546362). Invitae Evidence Modeling of protein sequence and biophysical properties (such as structural, functional, and spatial information, amino acid conservation, physicochemical variation, residue mobility, and thermodynamic stability) indicates that this missense variant is expected to disrupt CACNA1C protein function with a positive predictive value of 95%. In summary, the available evidence is currently insufficient to determine the role of this variant in disease. Therefore, it has been classified as a Variant of Uncertain Significance.

GeneDx
Classification: Uncertain significance. Last evaluated: 2024-01-04. Review status: criteria provided, single submitter. Criteria: GeneDx Variant Classification Process June 2021. Collection method: clinical testing. Allele origin: germline. Affected: yes.
Comment: Reported in a patient with long QT syndrome in published literature; however, further clinical information was not provided (PMID: 31737537); Not observed at significant frequency in large population cohorts (gnomAD); In silico analysis supports that this missense variant has a deleterious effect on protein structure/function; This variant is associated with the following publications: (PMID: 37198425, 31737537)

Ambry Genetics
Classification: Uncertain significance for Cardiovascular phenotype. Last evaluated: 2023-05-30. Review status: criteria provided, single submitter. Criteria: Ambry Variant Classification Scheme 2023. Collection method: clinical testing. Allele origin: germline.
Comment: The p.T366M variant (also known as c.1097C>T), located in coding exon 7 of the CACNA1C gene, results from a C to T substitution at nucleotide position 1097. The threonine at codon 366 is replaced by methionine, an amino acid with similar properties. This alteration has been reported in an arrhythmogenic disorders cohort (Marschall C et al. Cardiovasc Diagn Ther, 2019 Oct;9:S292-S298). This amino acid position is highly conserved in available vertebrate species. In addition, this alteration is predicted to be deleterious by in silico analysis. Since supporting evidence is limited at this time, the clinical significance of this alteration remains unclear.

Literature cited by the submitters: PubMed 31737537 (cited by Labcorp Genetics (formerly Invitae), Labcorp and Ambry Genetics).

NM_000719.7(CACNA1C):c.1097C>T (p.Thr366Met)

Gene: CACNA1C (calcium voltage-gated channel subunit alpha1 C; plus strand). Cytogenetic location: 12p13.33.
Variant type: single nucleotide variant.
Coding change: c.1097C>T on transcript NM_000719.7 (MANE Select); coding-DNA position 1097, C replaced by T.
Protein change: p.Thr366Met; replaces threonine 366 with methionine.
Molecular consequence: missense variant.
Genome position (GRCh38, 1-based): chr12:2,493,370, C>T. VCF-style: chr12-2493370-C-T. GRCh37 (hg19) VCF-style: chr12-2602536-C-T.
Other names: c.1097C>T, p.Thr366Met (NM_001129827.2, NM_001129829.2, NM_001129830.3 and 18 more transcripts); c.1088C>T, p.Thr363Met (NM_001129844.2); short protein forms T366M, T363M.
Identifiers: ClinVar variation 546362 (VCV000546362.13), dbSNP rs1429990170, ClinGen allele CA383370031.
Genomic context (GRCh38, chr12:2,493,370, plus strand): 5'-TTGACAACTTTGCCTTCGCCATGCTCACGGTGTTCCAGTGCATCACCATGGAGGGCTGGA[C>T]GGACGTGCTGTACTGGGTACGTAGCATGAGTGGGCAGTCAGAGGGTGGGGGAACAGCGGC-3'
Protein context (NP_000710.5, residues 356-376): VFQCITMEGW[Thr366Met]DVLYWVNDAV